The following is an entry in ClinVar:

NM_000535.7(PMS2):c.164-10A>G

Gene: PMS2 (PMS1 homolog 2, mismatch repair system component; minus strand). Cytogenetic location: 7p22.1.
Variant type: single nucleotide variant.
Coding change: c.164-10A>G on transcript NM_000535.7 (MANE Select); 10 bases into the intron before coding-DNA position 164, A replaced by G.
Molecular consequence: intron variant.
Genome position (GRCh38, 1-based): chr7:6,004,068, T>C on the plus strand (A>G on the coding strand, the complement: PMS2 is on the minus strand). VCF-style: chr7-6004068-T-C. GRCh37 (hg19) VCF-style: chr7-6043699-T-C.
Other names: c.164-10A>G (NM_000535.5, NM_001322006.2, NM_001322014.2); c.-52-10A>G (NM_001322008.2, NM_001322007.2); c.-242-10A>G (NM_001322010.2, NM_001322004.2, NM_001322013.2 and 3 more transcripts); c.-721-10A>G (NM_001322012.2, NM_001322011.2); c.-321-10A>G (NM_001322015.2).
Identifiers: ClinVar variation 2123719 (VCV002123719.6), dbSNP rs2128830974, ClinGen allele CA2580077197.

ClinVar aggregate classification (germline): Conflicting classifications of pathogenicity. Review status: criteria provided, conflicting classifications (1 of 4 stars). 3 submissions from 3 submitters: Likely pathogenic (1); Uncertain significance (2). Last evaluated 2024-11-13.

Conditions:
Lynch syndrome 4 (LYNCH4). Also called: Hereditary non-polyposis colorectal cancer, type 4; Colorectal cancer, hereditary nonpolyposis, type 4. Identifiers: Orphanet 144, MedGen C1838333, MONDO:0013699, OMIM 614337. Disease mechanism: loss of function.
Mismatch repair cancer syndrome 4. Identifiers: MedGen C5436817, MONDO:0030843, OMIM 619101.
Hereditary cancer-predisposing syndrome. Also called: Hereditary Cancer Syndrome; Tumor predisposition; Neoplastic Syndromes, Hereditary; Hereditary neoplastic syndrome. Identifiers: Orphanet 140162, MedGen C0027672, MeSH D009386, MONDO:0015356.
Hereditary nonpolyposis colorectal neoplasms. Identifiers: MedGen C0009405, MeSH D003123.

Submissions (3):

Labcorp Genetics (formerly Invitae), Labcorp
Classification: Uncertain significance for Hereditary nonpolyposis colorectal neoplasms. Last evaluated: 2024-11-13. Review status: criteria provided, single submitter. Criteria: Invitae Variant Classification Sherloc (09022015). Collection method: clinical testing. Allele origin: germline.
Comment: This sequence change falls in intron 2 of the PMS2 gene. It does not directly change the encoded amino acid sequence of the PMS2 protein. This variant is not present in population databases (gnomAD no frequency). This variant has not been reported in the literature in individuals affected with PMS2-related conditions. ClinVar contains an entry for this variant (Variation ID: 2123719). Algorithms developed to predict the effect of sequence changes on RNA splicing suggest that this variant may disrupt the consensus splice site. In summary, the available evidence is currently insufficient to determine the role of this variant in disease. Therefore, it has been classified as a Variant of Uncertain Significance.

Ambry Genetics
Classification: Likely pathogenic for Hereditary cancer-predisposing syndrome. Last evaluated: 2024-04-05. Review status: criteria provided, single submitter. Criteria: Ambry Variant Classification Scheme 2023. Collection method: clinical testing. Allele origin: germline.
Comment: The c.164-10A>G intronic variant results from an A to G substitution 10 nucleotides upstream from coding exon 3 in the PMS2 gene. This nucleotide position is well conserved in available vertebrate species. This variant has been identified in probands whose Lynch syndrome-associated tumor demonstrated loss of PMS2 expression by immunohistochemistry and/or high microsatellite instability (Ambry internal data). In silico splice site analysis predicts that this alteration will weaken the native splice acceptor site and will result in the creation or strengthening of a novel splice acceptor site. RNA studies have demonstrated that this alteration results in abnormal splicing in the set of samples tested (Ambry internal data). This variant is considered to be rare based on population cohorts in the Genome Aggregation Database (gnomAD). Based on the majority of available evidence to date, this variant is likely to be pathogenic.

Fulgent Genetics
Classification: Uncertain significance for Lynch syndrome 4; Mismatch repair cancer syndrome 4. Last evaluated: 2024-03-20. Review status: criteria provided, single submitter. Criteria: ACMG Guidelines, 2015. Collection method: clinical testing. Allele origin: germline.